The following is an entry in ClinVar:

NM_203446.3(SYNJ1):c.2260C>T (p.Leu754Phe)

Gene: SYNJ1 (synaptojanin 1; minus strand). Cytogenetic location: 21q22.11.
Variant type: single nucleotide variant.
Coding change: c.2260C>T on transcript NM_203446.3 (MANE Select); coding-DNA position 2260, C replaced by T.
Protein change: p.Leu754Phe; replaces leucine 754 with phenylalanine.
Molecular consequence: missense variant.
Genome position (GRCh38, 1-based): chr21:32,664,957, G>A on the plus strand (C>T on the coding strand, the complement: SYNJ1 is on the minus strand). VCF-style: chr21-32664957-G-A. GRCh37 (hg19) VCF-style: chr21-34037267-G-A.
Other names: c.2260C>T, p.Leu754Phe (NM_001160302.2); c.2245C>T, p.Leu749Phe (NM_001160306.2); c.2377C>T, p.Leu793Phe (NM_003895.4); short protein forms L793F, L749F, L754F.
Identifiers: ClinVar variation 1377365 (VCV001377365.6), dbSNP rs2145915558, ClinGen allele CA410077123.

ClinVar aggregate classification (germline): Uncertain significance (1 of 4 stars; one submission).

Conditions:
Developmental and epileptic encephalopathy, 53. Also called: Epileptic encephalopathy, early infantile, 53. Identifiers: MedGen C4479313, MONDO:0033362, OMIM 617389.
Early-onset Parkinson disease 20. Also called: PARKINSON DISEASE 20, AUTOSOMAL RECESSIVE EARLY-ONSET. Identifiers: Orphanet 391411, MedGen C3809824, MONDO:0014233, OMIM 615530.

Submission:

Labcorp Genetics (formerly Invitae), Labcorp
Classification: Uncertain significance for Developmental and epileptic encephalopathy, 53; Early-onset Parkinson disease 20. Last evaluated: 2021-08-24. Review status: criteria provided, single submitter. Criteria: Invitae Variant Classification Sherloc (09022015). Collection method: clinical testing. Allele origin: germline.
Comment: This variant is not present in population databases (ExAC no frequency). This sequence change replaces leucine with phenylalanine at codon 793 of the SYNJ1 protein (p.Leu793Phe). The leucine residue is highly conserved and there is a small physicochemical difference between leucine and phenylalanine. This variant has not been reported in the literature in individuals affected with SYNJ1-related conditions. Algorithms developed to predict the effect of missense changes on protein structure and function are either unavailable or do not agree on the potential impact of this missense change (SIFT: "Deleterious"; PolyPhen-2: "Probably Damaging"; Align-GVGD: "Class C0"). In summary, the available evidence is currently insufficient to determine the role of this variant in disease. Therefore, it has been classified as a Variant of Uncertain Significance.